The following is an entry in ClinVar:

NM_205850.3(SLC24A5):c.430G>T (p.Gly144Ter)

Gene: SLC24A5 (solute carrier family 24 member 5; plus strand). Cytogenetic location: 15q21.1.
Variant type: single nucleotide variant.
Coding change: c.430G>T on transcript NM_205850.3 (MANE Select); coding-DNA position 430, G replaced by T.
Protein change: p.Gly144Ter; replaces glycine 144 with a stop codon.
Molecular consequence: nonsense.
Genome position (GRCh38, 1-based): chr15:48,134,479, G>T. VCF-style: chr15-48134479-G-T. GRCh37 (hg19) VCF-style: chr15-48426676-G-T.
Other names: short protein forms G144*.
Identifiers: ClinVar variation 3649840 (VCV003649840.2).

ClinVar aggregate classification (germline): Pathogenic (1 of 4 stars; one submission).

Submission:

Labcorp Genetics (formerly Invitae), Labcorp
Classification: Pathogenic. Last evaluated: 2024-04-14. Review status: criteria provided, single submitter. Criteria: Invitae Variant Classification Sherloc (09022015). Collection method: clinical testing. Allele origin: germline.
Comment: This sequence change creates a premature translational stop signal (p.Gly144*) in the SLC24A5 gene. It is expected to result in an absent or disrupted protein product. Loss-of-function variants in SLC24A5 are known to be pathogenic (PMID: 23985994, 26686029). This variant is not present in population databases (gnomAD no frequency). This variant has not been reported in the literature in individuals affected with SLC24A5-related conditions. Algorithms developed to predict the effect of sequence changes on RNA splicing suggest that this variant may disrupt the consensus splice site. For these reasons, this variant has been classified as Pathogenic.

Literature cited by the submitters: PubMed 23985994; PubMed 26686029.